The following is an entry in ClinVar:

ClinVar aggregate classification (germline): Benign/Likely benign. Review status: criteria provided, multiple submitters, no conflicts (2 of 4 stars). 2 submissions from 2 submitters: Benign (1); Likely benign (1). Last evaluated 2025-06-03.

Conditions:
Tuberous sclerosis 2 (TSC2). Identifiers: Orphanet 805, MedGen C1860707, MONDO:0013199, OMIM 613254.

Submissions (2):

Myriad Genetics, Inc.
Classification: Benign for Tuberous sclerosis 2. Last evaluated: 2025-06-03. Review status: criteria provided, single submitter. Criteria: Myriad Autosomal Dominant, Autosomal Recessive and X-Linked Classification Criteria (2023). Collection method: clinical testing. Allele origin: unknown.
Comment: This variant is considered benign. This variant is a silent/synonymous amino acid change and it is not expected to impact splicing.

Labcorp Genetics (formerly Invitae), Labcorp
Classification: Likely benign for Tuberous sclerosis 2. Last evaluated: 2023-09-12. Review status: criteria provided, single submitter. Criteria: Invitae Variant Classification Sherloc (09022015). Collection method: clinical testing. Allele origin: germline.

NM_000548.5(TSC2):c.4260A>C (p.Ser1420=)

Gene: TSC2 (TSC complex subunit 2; plus strand). Cytogenetic location: 16p13.3.
Variant type: single nucleotide variant.
Coding change: c.4260A>C on transcript NM_000548.5 (MANE Select); coding-DNA position 4260, A replaced by C.
Protein change: p.Ser1420=; no amino-acid change (serine 1420 retained).
Molecular consequence: synonymous variant. On other transcripts: non-coding transcript variant (5).
Genome position (GRCh38, 1-based): chr16:2,084,482, A>C. VCF-style: chr16-2084482-A-C. GRCh37 (hg19) VCF-style: chr16-2134483-A-C.
Other names: c.4059A>C, p.Ser1353= (NM_001077183.3); c.4191A>C, p.Ser1397= (NM_001114382.3); c.3951A>C, p.Ser1317= (NM_001318827.2); c.3915A>C, p.Ser1305= (NM_001318829.2); c.3528A>C, p.Ser1176= (NM_001318831.2); c.4092A>C, p.Ser1364= (NM_001318832.2); c.4062A>C, p.Ser1354= (NM_001363528.2); c.4128A>C, p.Ser1376= (NM_001370404.1); and 26 more.
Identifiers: ClinVar variation 3006801 (VCV003006801.4), dbSNP rs1285012780, ClinGen allele CA493043383.